The following is an entry in ClinVar:

NM_206538.4(EMC10):c.679-217G>A

Gene: EMC10 (ER membrane protein complex subunit 10; plus strand). Cytogenetic location: 19q13.33.
Variant type: single nucleotide variant.
Coding change: c.679-217G>A on transcript NM_206538.4 (MANE Select); 217 bases into the intron before coding-DNA position 679, G replaced by A.
Molecular consequence: intron variant. On other transcripts: synonymous variant (1).
Genome position (GRCh38, 1-based): chr19:50,481,932, G>A. VCF-style: chr19-50481932-G-A. GRCh37 (hg19) VCF-style: chr19-50985189-G-A.
Other names: c.750G>A, p.Pro250= (NM_175063.6).
Identifiers: ClinVar variation 2650347 (VCV002650347.25), dbSNP rs373371781, ClinGen allele CA9599206.

ClinVar aggregate classification (germline): Likely benign. Review status: criteria provided, multiple submitters, no conflicts (2 of 4 stars). 2 submissions from 2 submitters: Likely benign (2). Last evaluated 2024-09-01.

Allele frequency attached by ClinVar (database versions not stated): ESP Exome Variant Server 0.00047; ExAC 0.00061; 1000 Genomes Project 30x 0.00094; 1000 Genomes Project 0.00100; gnomAD 0.00119; TOPMed 0.00150.
gnomAD v4.1: 449 of 1,606,772 alleles (0.028%); highest among the groups gnomAD compares: African/African-American, 0.42%; 2 homozygotes.

Submissions (2):

CeGaT Center for Human Genetics Tuebingen
Classification: Likely benign. Last evaluated: 2024-09-01. Review status: criteria provided, single submitter. Criteria: CeGaT Center For Human Genetics Tuebingen Variant Classification Criteria Version 2. Collection method: clinical testing. Allele origin: germline. Affected: yes. Observed: 2 variant alleles.
Comment: EMC10: BP4, BP7

Blueprint Genetics
Classification: Likely benign. Last evaluated: 2024-07-29. Review status: criteria provided, single submitter. Criteria: ACMG Guidelines, 2015. Collection method: clinical testing. Allele origin: germline.